The following is an entry in ClinVar:

ClinVar aggregate classification (germline): Likely benign (1 of 4 stars; one submission).

Allele frequency attached by ClinVar (database versions not stated): gnomAD exomes below 0.00001.
gnomAD v4.1: 1 of 1,023,748 alleles (0.000098%); highest among the groups gnomAD compares: South Asian, 0.0019%; no homozygotes.

Submission:

GeneDx
Classification: Likely benign. Last evaluated: 2016-09-30. Review status: criteria provided, single submitter. Criteria: GeneDx Variant Classification (06012015). Collection method: clinical testing. Allele origin: germline. Affected: yes.
Comment: This variant is considered likely benign or benign based on one or more of the following criteria: it is a conservative change, it occurs at a poorly conserved position in the protein, it is predicted to be benign by multiple in silico algorithms, and/or has population frequency not consistent with disease.

NM_000444.6(PHEX):c.436+19T>G

Gene: PHEX (phosphate regulating endopeptidase X-linked; plus strand). Cytogenetic location: Xp22.11.
Variant type: single nucleotide variant.
Coding change: c.436+19T>G on transcript NM_000444.6 (MANE Select); 19 bases into the intron after coding-DNA position 436, T replaced by G.
Molecular consequence: intron variant.
Genome position (GRCh38, 1-based): chrX:22,076,493, T>G. VCF-style: chrX-22076493-T-G. GRCh37 (hg19) VCF-style: chrX-22094611-T-G.
Other names: c.436+19T>G (NM_001282754.2).
Identifiers: ClinVar variation 389603 (VCV000389603.1), dbSNP rs1057523486, ClinGen allele CA16608811.